The following is an entry in ClinVar:

NM_015466.4(PTPN23):c.3602C>T (p.Ala1201Val)

Gene: PTPN23 (protein tyrosine phosphatase non-receptor type 23; plus strand). Cytogenetic location: 3p21.31.
Variant type: single nucleotide variant.
Coding change: c.3602C>T on transcript NM_015466.4 (MANE Select); coding-DNA position 3602, C replaced by T.
Protein change: p.Ala1201Val; replaces alanine 1201 with valine.
Molecular consequence: missense variant.
Genome position (GRCh38, 1-based): chr3:47,411,400, C>T. VCF-style: chr3-47411400-C-T. GRCh37 (hg19) VCF-style: chr3-47452890-C-T.
Other names: c.3224C>T, p.Ala1075Val (NM_001304482.2); short protein forms A1201V, A1075V.
Identifiers: ClinVar variation 1414495 (VCV001414495.3), dbSNP rs200392155, ClinGen allele CA2366315.

ClinVar aggregate classification (germline): Uncertain significance (1 of 4 stars; one submission).

Allele frequency attached by ClinVar (database versions not stated): gnomAD 0.00001; gnomAD exomes 0.00002 and 0.00006; TOPMed 0.00003; ExAC 0.00007; 1000 Genomes Project 0.00020; 1000 Genomes Project 30x 0.00031.

Submission:

Labcorp Genetics (formerly Invitae), Labcorp
Classification: Uncertain significance. Last evaluated: 2022-07-15. Review status: criteria provided, single submitter. Criteria: Invitae Variant Classification Sherloc (09022015). Collection method: clinical testing. Allele origin: germline.
Comment: This sequence change replaces alanine, which is neutral and non-polar, with valine, which is neutral and non-polar, at codon 1201 of the PTPN23 protein (p.Ala1201Val). This variant is present in population databases (rs200392155, gnomAD 0.01%). This variant has not been reported in the literature in individuals affected with PTPN23-related conditions. ClinVar contains an entry for this variant (Variation ID: 1414495). Algorithms developed to predict the effect of missense changes on protein structure and function are either unavailable or do not agree on the potential impact of this missense change (SIFT: "Tolerated"; PolyPhen-2: "Possibly Damaging"; Align-GVGD: "Class C0"). In summary, the available evidence is currently insufficient to determine the role of this variant in disease. Therefore, it has been classified as a Variant of Uncertain Significance.